The following is an entry in ClinVar:

NM_000128.3(F11):c.-316C>G

Gene: F11 (coagulation factor XI; plus strand). Cytogenetic location: 4q35.2.
Variant type: single nucleotide variant.
Coding change: c.-316C>G on transcript NM_000128.3; 316 bases upstream of the start codon, C replaced by G.
Genome position (GRCh38, 1-based): chr4:186,265,981, C>G. VCF-style: chr4-186265981-C-G. GRCh37 (hg19) VCF-style: chr4-187187135-C-G.
Identifiers: ClinVar variation 348368 (VCV000348368.8), dbSNP rs3733403, ClinGen allele CA10620732.

ClinVar aggregate classification (germline): Benign. Review status: criteria provided, multiple submitters, no conflicts (2 of 4 stars). 2 submissions from 2 submitters: Benign (2). Last evaluated 2018-01-12.

Conditions:
Hereditary factor XI deficiency disease. Also called: PLASMA THROMBOPLASTIN ANTECEDENT DEFICIENCY; PTA DEFICIENCY; ROSENTHAL SYNDROME; Congenital factor XI deficiency. Identifiers: Orphanet 329, MedGen C0015523, MeSH D005173, MONDO:0012897, OMIM 612416.

Allele frequency attached by ClinVar (database versions not stated): 1000 Genomes Project 30x 0.24094; gnomAD 0.18149 and 0.18163; 1000 Genomes Project 0.23423; TOPMed 0.18372.

Submissions (2):

Illumina Laboratory Services, Illumina
Classification: Benign for Hereditary factor XI deficiency disease. Last evaluated: 2018-01-12. Review status: criteria provided, single submitter. Criteria: ICSL Variant Classification Criteria 13 December 2019. Collection method: clinical testing. Allele origin: germline.
Comment: This variant was observed in the ICSL laboratory as part of a predisposition screen in an ostensibly healthy population. It had not been previously curated by ICSL or reported in the Human Gene Mutation Database (HGMD: prior to June 1st, 2018), and was therefore a candidate for classification through an automated scoring system. Utilizing variant allele frequency, disease prevalence and penetrance estimates, and inheritance mode, an automated score was calculated to assess if this variant is too frequent to cause the disease. Based on the score and internal cut-off values, a variant classified as benign is not then subjected to further curation. The score for this variant resulted in a classification of benign for this disease.

Breakthrough Genomics
Classification: Benign. Review status: criteria provided, single submitter. Criteria: ACMG Guidelines, 2015. Collection method: not provided. Allele origin: germline. Inheritance: Unknown mechanism. Affected: yes.